The following is an entry in ClinVar:

NM_006876.3(B4GAT1):c.987C>T (p.Tyr329=)

Gene: B4GAT1 (beta-1,4-glucuronyltransferase 1; minus strand). Cytogenetic location: 11q13.2.
Variant type: single nucleotide variant.
Coding change: c.987C>T on transcript NM_006876.3 (MANE Select); coding-DNA position 987, C replaced by T.
Protein change: p.Tyr329=; no amino-acid change (tyrosine 329 retained).
Molecular consequence: synonymous variant.
Genome position (GRCh38, 1-based): chr11:66,346,559, G>A on the plus strand (C>T on the coding strand, the complement: B4GAT1 is on the minus strand). VCF-style: chr11-66346559-G-A. GRCh37 (hg19) VCF-style: chr11-66114030-G-A.
Other names: p.Tyr329=.
Identifiers: ClinVar variation 420609 (VCV000420609.37), dbSNP rs1190625, ClinGen allele CA6120486.

ClinVar aggregate classification (germline): Benign/Likely benign. Review status: criteria provided, multiple submitters, no conflicts (2 of 4 stars). 4 submissions from 4 submitters: Benign (2); Likely benign (2). Last evaluated 2026-01-28.

Conditions:
Muscular dystrophy-dystroglycanopathy (congenital with brain and eye anomalies), type A13. Also called: Muscular dystrophy-dystroglycanopathy (congenital with brain and eye anomalies), type a, 13; WALKER-WARBURG SYNDROME OR MUSCLE-EYE-BRAIN DISEASE, B3GNT1-RELATED. Identifiers: Orphanet 899, MedGen C3809042, MONDO:0014120, OMIM 615287.

Allele frequency attached by ClinVar (database versions not stated): ExAC 0.00099; 1000 Genomes Project 30x 0.00219; 1000 Genomes Project 0.00220; gnomAD 0.00264; TOPMed 0.00332; ESP Exome Variant Server 0.00362; gnomAD exomes 0.00073.
gnomAD v4.1: 975 of 1,613,746 alleles (0.06%); highest among the groups gnomAD compares: African/African-American, 1.1%; 8 homozygotes.

Submissions (4):

Labcorp Genetics (formerly Invitae), Labcorp
Classification: Benign for Muscular dystrophy-dystroglycanopathy (congenital with brain and eye anomalies), type A13. Last evaluated: 2026-01-28. Review status: criteria provided, single submitter. Criteria: Invitae Variant Classification Sherloc (09022015). Collection method: clinical testing. Allele origin: germline.

CeGaT Center for Human Genetics Tuebingen
Classification: Likely benign. Last evaluated: 2024-10-01. Review status: criteria provided, single submitter. Criteria: CeGaT Center For Human Genetics Tuebingen Variant Classification Criteria Version 2. Collection method: clinical testing. Allele origin: germline. Affected: yes. Observed: 2 variant alleles.
Comment: B4GAT1: BP4, BP7, BS1

Mayo Clinic Laboratories, Mayo Clinic
Classification: Benign. Last evaluated: 2024-08-09. Review status: criteria provided, single submitter. Criteria: ACMG Guidelines, 2015. Collection method: clinical testing. Allele origin: germline. Observed: 2 variant alleles.
Comment: BS1, BS2, BP4, BP7

GeneDx
Classification: Likely benign. Last evaluated: 2020-12-30. Review status: criteria provided, single submitter. Criteria: GeneDx Variant Classification Process June 2021. Collection method: clinical testing. Allele origin: germline. Affected: yes.